The following is an entry in ClinVar:

NM_015335.5(MED13L):c.4298G>A (p.Gly1433Glu)

Gene: MED13L (mediator complex subunit 13L; minus strand). Cytogenetic location: 12q24.21.
Variant type: single nucleotide variant.
Coding change: c.4298G>A on transcript NM_015335.5 (MANE Select); coding-DNA position 4298, G replaced by A.
Protein change: p.Gly1433Glu; replaces glycine 1433 with glutamic acid.
Molecular consequence: missense variant.
Genome position (GRCh38, 1-based): chr12:115,986,306, C>T on the plus strand (G>A on the coding strand, the complement: MED13L is on the minus strand). VCF-style: chr12-115986306-C-T. GRCh37 (hg19) VCF-style: chr12-116424111-C-T.
Other names: short protein forms G1433E.
Identifiers: ClinVar variation 1342098 (VCV001342098.2), dbSNP rs2137286575, ClinGen allele CA386884411.
Genomic context (GRCh38, chr12:115,986,306, plus strand): 5'-TTTCACAGTAACTTCCTCACCTCGTATACAGCACTCAAGTCCCTGAAGAAAGTTTTGGCT[C>T]CTTCGAGCAAGGCCTCATTTTCTGGACACACCACAATATAGGCAACATCACGGTGGCCCC-3'
Protein context (NP_056150.1, residues 1423-1443): VCPENEALLE[Gly1433Glu]AKTFFRDLSA

ClinVar aggregate classification (germline): Uncertain significance (1 of 4 stars; one submission).

Submission:

GeneDx
Classification: Uncertain significance. Last evaluated: 2022-02-16. Review status: criteria provided, single submitter. Criteria: GeneDx Variant Classification Process June 2021. Collection method: clinical testing. Allele origin: germline. Affected: yes.
Comment: Not observed at significant frequency in large population cohorts (gnomAD); In silico analysis supports that this missense variant does not alter protein structure/function; Has not been previously published as pathogenic or benign to our knowledge; This variant is associated with the following publications: (PMID: 27535533)